The following is an entry in ClinVar:

ClinVar aggregate classification (germline): Pathogenic (1 of 4 stars; one submission).

Conditions:
Retinal disorder. Also called: Retinopathy; Retinopathies; Retinal Diseases; Retinal disorders. Identifiers: MedGen C0035309, MONDO:0005283, HP:0000488.

gnomAD v4.1: 1 of 1,166,889 alleles (0.000086%); no homozygotes.

Submission:

North West Genomic Laboratory Hub, Manchester University NHS Foundation Trust
Classification: Pathogenic for Retinal disorders. Last evaluated: 2024-07-09. Review status: criteria provided, single submitter. Criteria: ACGS Best Practice Guidelines for Variant Classification in Rare Disease 2020. Collection method: clinical testing. Allele origin: germline. Affected: yes.
Comment: PVS1_VStr PS4_Mod PM2_Mod

NM_001256789.3(CACNA1F):c.1651+1G>A

Gene: CACNA1F (calcium voltage-gated channel subunit alpha1 F; minus strand). Cytogenetic location: Xp11.23.
Variant type: single nucleotide variant.
Coding change: c.1651+1G>A on transcript NM_001256789.3 (MANE Select); the canonical splice donor site of the intron after coding-DNA position 1651, G replaced by A.
Molecular consequence: splice donor variant.
Genome position (GRCh38, 1-based): chrX:49,225,908, C>T on the plus strand (G>A on the coding strand, the complement: CACNA1F is on the minus strand). VCF-style: chrX-49225908-C-T. GRCh37 (hg19) VCF-style: chrX-49082370-C-T.
Other names: c.1684+1G>A (NM_005183.4); c.1489+1G>A (NM_001256790.3).
Identifiers: ClinVar variation 4849599 (VCV004849599.1).